The following is an entry in ClinVar:

NM_001035.3(RYR2):c.10923A>T (p.Ile3641=)

Gene: RYR2 (ryanodine receptor 2; plus strand). Cytogenetic location: 1q43.
Variant type: single nucleotide variant.
Coding change: c.10923A>T on transcript NM_001035.3 (MANE Select); coding-DNA position 10923, A replaced by T.
Protein change: p.Ile3641=; no amino-acid change (isoleucine 3641 retained).
Molecular consequence: synonymous variant.
Genome position (GRCh38, 1-based): chr1:237,730,344, A>T. VCF-style: chr1-237730344-A-T. GRCh37 (hg19) VCF-style: chr1-237893644-A-T.
Other names: c.10923A>T (NM_001035.2).
Identifiers: ClinVar variation 3069757 (VCV003069757.4), dbSNP rs1198762159, ClinGen allele CA423820900.
Genomic context (GRCh38, chr1:237,730,344, plus strand): 5'-TCAGGGATATGAAAAGTCTTGGATTGAAACAGAAGAACATTACTTTGAAGATAAACTGAT[A>T]GAAGATTTAGCAGTATGTTTTTAGTGGGGCTCTAAGATGAAAGAGGGTCTAGGCTTGGTG-3'
Protein context (NP_001026.2, residues 3631-3651): TEEHYFEDKL[Ile3641=]EDLAKPGAEP

ClinVar aggregate classification (germline): Likely benign. Review status: criteria provided, multiple submitters, no conflicts (2 of 4 stars). 3 submissions from 3 submitters: Likely benign (3). Last evaluated 2025-08-30.

Conditions:
Catecholaminergic polymorphic ventricular tachycardia (CVPT). Also called: Catecholamine-induced polymorphic ventricular tachycardia. Identifiers: Orphanet 3286, MedGen C5574922, MONDO:0017990.
Cardiovascular phenotype. Identifiers: MedGen CN230736.
Catecholaminergic polymorphic ventricular tachycardia 1. Also called: RYR2-Related Catecholaminergic Polymorphic Ventricular Tachycardia; VENTRICULAR TACHYCARDIA, STRESS-INDUCED POLYMORPHIC 1; VENTRICULAR TACHYCARDIA, CATECHOLAMINERGIC POLYMORPHIC, 1, WITH OR WITHOUT ATRIAL DYSFUNCTION AND/OR DILATED CARDIOMYOPATHY. Identifiers: Orphanet 3286, MedGen C1631597, MONDO:0011484, OMIM 604772.

Submissions (3):

Labcorp Genetics (formerly Invitae), Labcorp
Classification: Likely benign for Catecholaminergic polymorphic ventricular tachycardia 1. Last evaluated: 2025-08-30. Review status: criteria provided, single submitter. Criteria: Invitae Variant Classification Sherloc (09022015). Collection method: clinical testing. Allele origin: germline.

Ambry Genetics
Classification: Likely benign for Cardiovascular phenotype. Last evaluated: 2024-08-11. Review status: criteria provided, single submitter. Criteria: Ambry Variant Classification Scheme 2023. Collection method: clinical testing. Allele origin: germline.

All of Us Research Program, National Institutes of Health
Classification: Likely benign for Catecholaminergic polymorphic ventricular tachycardia. Last evaluated: 2023-08-28. Review status: criteria provided, single submitter. Criteria: ACMG Guidelines, 2015. Collection method: clinical testing. Allele origin: germline. Inheritance: Autosomal dominant inheritance. Observed: 2 variant alleles, 2 heterozygotes.
Comment: This study involves interpretation of variants in research participants for the purpose of population health screening. Participant phenotype was not available at the time of variant classification. Additional details can be found in publication PMID: 35346344, PMCID: PMC8962531